The following is an entry in ClinVar:

NM_019892.6(INPP5E):c.661C>T (p.Leu221Phe)

Gene: INPP5E (inositol polyphosphate-5-phosphatase E; minus strand). Cytogenetic location: 9q34.3.
Variant type: single nucleotide variant.
Coding change: c.661C>T on transcript NM_019892.6 (MANE Select); coding-DNA position 661, C replaced by T.
Protein change: p.Leu221Phe; replaces leucine 221 with phenylalanine.
Molecular consequence: missense variant.
Genome position (GRCh38, 1-based): chr9:136,438,759, G>A on the plus strand (C>T on the coding strand, the complement: INPP5E is on the minus strand). VCF-style: chr9-136438759-G-A. GRCh37 (hg19) VCF-style: chr9-139333211-G-A.
Other names: c.661C>T, p.Leu221Phe (NM_001318502.2); short protein forms L221F.
Identifiers: ClinVar variation 4982060 (VCV004982060.1).

ClinVar aggregate classification (germline): Uncertain significance (1 of 4 stars; one submission).

Conditions:
INPP5E-related disorder. Also called: INPP5E-related condition.

gnomAD v4.1: 1 of 1,611,748 alleles (0.000062%); highest among the groups gnomAD compares: Non-Finnish European, 0.000085%; no homozygotes.

Submission:

PreventionGenetics, part of Exact Sciences
Classification: Uncertain significance for INPP5E-related condition. Last evaluated: 2025-10-30. Review status: criteria provided, single submitter. Criteria: ACMG Guidelines, 2015. Collection method: clinical testing. Allele origin: germline.
Comment: The INPP5E c.661C>T variant is predicted to result in the amino acid substitution p.Leu221Phe. To our knowledge, this variant has not been reported in the literature. This variant is reported in 0.00094% of alleles in individuals of European (Non-Finnish) descent in gnomAD. At this time, the clinical significance of this variant is uncertain due to the absence of conclusive functional and genetic evidence.